The following is an entry in ClinVar:

NM_020937.4(FANCM):c.909_910del (p.Ile305fs)

Gene: FANCM (FA complementation group M; plus strand). Cytogenetic location: 14q21.2.
Variant type: Deletion.
Coding change: c.909_910del on transcript NM_020937.4 (MANE Select); coding-DNA positions 909 to 910, 2 bases deleted (CT; older notation c.909_910delCT).
Protein change: p.Ile305fs; shifts the reading frame from isoleucine 305.
Molecular consequence: frameshift variant.
Genome position (GRCh38, 1-based): chr14:45,148,986-45,148,987, CT deleted. VCF-style (leftmost placement, unchanged base first): chr14-45148985-CCT-C. GRCh37 (hg19) VCF-style: chr14-45618188-CCT-C.
Other names: c.831_832del, p.Ile279fs (NM_001308133.2); c.909_910del, p.Ile305fs (NM_001308134.2); short protein forms I279fs, I305fs.
Identifiers: ClinVar variation 1072601 (VCV001072601.7), dbSNP rs1886630094, ClinGen allele CA2133607648.

ClinVar aggregate classification (germline): Pathogenic (1 of 4 stars; one submission).

Conditions:
Fanconi anemia (FA). Also called: Fanconi's anemia. Identifiers: Orphanet 84, MedGen C0015625, MeSH D005199, MONDO:0019391.

Allele frequency attached by ClinVar (database versions not stated): gnomAD exomes below 0.00001.

Submission:

Labcorp Genetics (formerly Invitae), Labcorp
Classification: Pathogenic for Fanconi anemia. Last evaluated: 2020-09-16. Review status: criteria provided, single submitter. Criteria: Invitae Variant Classification Sherloc (09022015). Collection method: clinical testing. Allele origin: germline.
Comment: This variant is not present in population databases (ExAC no frequency). This variant has not been reported in the literature in individuals with FANCM-related conditions. Loss-of-function variants in FANCM are known to be pathogenic (PMID: 29895858, 30075111). For these reasons, this variant has been classified as Pathogenic. This sequence change creates a premature translational stop signal (p.Ile305Profs*37) in the FANCM gene. It is expected to result in an absent or disrupted protein product.

Literature cited by the submitters: PubMed 29895858; PubMed 30075111.